The following is an entry in ClinVar:

ClinVar aggregate classification (germline): Uncertain significance (1 of 4 stars; one submission).

Conditions:
Hereditary cancer-predisposing syndrome. Also called: Neoplastic Syndromes, Hereditary; Tumor predisposition; Hereditary neoplastic syndrome; Hereditary Cancer Syndrome. Identifiers: Orphanet 140162, MedGen C0027672, MeSH D009386, MONDO:0015356.

Submission:

Ambry Genetics
Classification: Uncertain significance for Hereditary cancer-predisposing syndrome. Last evaluated: 2018-01-05. Review status: criteria provided, single submitter. Criteria: Ambry Variant Classification Scheme 2023. Collection method: clinical testing. Allele origin: germline.
Comment: The p.A1436G variant (also known as c.4307C>G), located in coding exon 22 of the DICER1 gene, results from a C to G substitution at nucleotide position 4307. The alanine at codon 1436 is replaced by glycine, an amino acid with similar properties. This amino acid position is not well conserved in available vertebrate species. In addition, this alteration is predicted to be tolerated by in silico analysis. Since supporting evidence is limited at this time, the clinical significance of this alteration remains unclear.

NM_177438.3(DICER1):c.4307C>G (p.Ala1436Gly)

Gene: DICER1 (dicer 1, ribonuclease III; minus strand). Cytogenetic location: 14q32.13.
Variant type: single nucleotide variant.
Coding change: c.4307C>G on transcript NM_177438.3 (MANE Select); coding-DNA position 4307, C replaced by G.
Protein change: p.Ala1436Gly; replaces alanine 1436 with glycine.
Molecular consequence: missense variant.
Genome position (GRCh38, 1-based): chr14:95,096,613, G>C on the plus strand (C>G on the coding strand, the complement: DICER1 is on the minus strand). VCF-style: chr14-95096613-G-C. GRCh37 (hg19) VCF-style: chr14-95562950-G-C.
Other names: c.4307C>G, p.Ala1436Gly (NM_001195573.1, NM_001271282.3, NM_001291628.2 and 1 more transcripts); short protein forms A1436G.
Identifiers: ClinVar variation 824776 (VCV000824776.4), dbSNP rs777127946, ClinGen allele CA390869426.